The following is an entry in ClinVar:

NM_005051.3(QARS1):c.1304A>G (p.Tyr435Cys)

Gene: QARS1 (glutaminyl-tRNA synthetase 1; minus strand). Cytogenetic location: 3p21.31.
Variant type: single nucleotide variant.
Coding change: c.1304A>G on transcript NM_005051.3 (MANE Select); coding-DNA position 1304, A replaced by G.
Protein change: p.Tyr435Cys; replaces tyrosine 435 with cysteine.
Molecular consequence: missense variant. On other transcripts: non-coding transcript variant (1).
Genome position (GRCh38, 1-based): chr3:49,099,845, T>C on the plus strand (A>G on the coding strand, the complement: QARS1 is on the minus strand). VCF-style: chr3-49099845-T-C. GRCh37 (hg19) VCF-style: chr3-49137278-T-C.
Other names: c.1271A>G, p.Tyr424Cys (NM_001272073.2); c.1304A>G (NM_005051.1); short protein forms Y435C, Y424C.
Identifiers: ClinVar variation 843366 (VCV000843366.9), dbSNP rs143462532, ClinGen allele CA2391792.

ClinVar aggregate classification (germline): Uncertain significance. Review status: criteria provided, multiple submitters, no conflicts (2 of 4 stars). 3 submissions from 3 submitters: Uncertain significance (3). Last evaluated 2026-01-30.

Conditions:
Inborn genetic diseases. Identifiers: MedGen C0950123, MeSH D030342.
Diffuse cerebral and cerebellar atrophy - intractable seizures - progressive microcephaly syndrome. Also called: Microcephaly, progressive, with seizures and cerebral and cerebellar atrophy. Identifiers: Orphanet 404437, MedGen C4014239, MONDO:0014335, OMIM 615760.

Allele frequency attached by ClinVar (database versions not stated): gnomAD 0.00003 and 0.00004; ExAC 0.00002; TOPMed 0.00004; gnomAD exomes 0.00002; ESP Exome Variant Server 0.00008.
gnomAD v4.1: 37 of 1,612,428 alleles (0.0023%); highest among the groups gnomAD compares: African/African-American, 0.004%; no homozygotes.

Submissions (3):

GeneDx
Classification: Uncertain significance. Last evaluated: 2026-01-30. Review status: criteria provided, single submitter. Criteria: GeneDx Variant Classification Process June 2021. Collection method: clinical testing. Allele origin: germline. Affected: yes.
Comment: Observed with a frameshift variant on the opposite allele (in trans) in a patient with microcephaly, mild intellectual disability, and abnormal brain MRI in the published literature (PMID: 32042906); In silico analysis supports that this missense variant has a deleterious effect on protein structure/function; Not observed at significant frequency in large population cohorts (gnomAD); Observed with a variant of uncertain significance on the opposite allele (in trans) in a patient with epilepsy, developmental delay, and short stature in the published literature (PMID: 39715963); This variant is associated with the following publications: (PMID: 25471517, 32042906, 39715963)

Ambry Genetics
Classification: Uncertain significance for Inborn genetic diseases. Last evaluated: 2025-09-25. Review status: criteria provided, single submitter. Criteria: Ambry Variant Classification Scheme 2023. Collection method: clinical testing. Allele origin: germline.

Labcorp Genetics (formerly Invitae), Labcorp
Classification: Uncertain significance for Diffuse cerebral and cerebellar atrophy - intractable seizures - progressive microcephaly syndrome. Last evaluated: 2024-10-24. Review status: criteria provided, single submitter. Criteria: Invitae Variant Classification Sherloc (09022015). Collection method: clinical testing. Allele origin: germline.
Comment: This sequence change replaces tyrosine, which is neutral and polar, with cysteine, which is neutral and slightly polar, at codon 435 of the QARS protein (p.Tyr435Cys). This variant is present in population databases (rs143462532, gnomAD 0.004%). This variant has not been reported in the literature in individuals affected with QARS-related conditions. ClinVar contains an entry for this variant (Variation ID: 843366). Invitae Evidence Modeling of protein sequence and biophysical properties (such as structural, functional, and spatial information, amino acid conservation, physicochemical variation, residue mobility, and thermodynamic stability) has been performed for this missense variant. However, the output from this modeling did not meet the statistical confidence thresholds required to predict the impact of this variant on QARS protein function. In summary, the available evidence is currently insufficient to determine the role of this variant in disease. Therefore, it has been classified as a Variant of Uncertain Significance.